The following is an entry in ClinVar:

NM_001267550.2(TTN):c.13522G>T (p.Asp4508Tyr)

Gene: TTN (titin; minus strand). Cytogenetic location: 2q31.2.
Variant type: single nucleotide variant.
Coding change: c.13522G>T on transcript NM_001267550.2 (MANE Select); coding-DNA position 13522, G replaced by T.
Protein change: p.Asp4508Tyr; replaces aspartic acid 4508 with tyrosine.
Molecular consequence: missense variant. On other transcripts: intron variant (1).
Genome position (GRCh38, 1-based): chr2:178,739,711, C>A on the plus strand (G>T on the coding strand, the complement: TTN is on the minus strand). VCF-style: chr2-178739711-C-A. GRCh37 (hg19) VCF-style: chr2-179604438-C-A.
Other names: c.12571G>T, p.Asp4191Tyr (NM_001256850.1); c.12433G>T, p.Asp4145Tyr (NM_003319.4); c.12808G>T, p.Asp4270Tyr (NM_133432.3); c.13009G>T, p.Asp4337Tyr (NM_133437.4); c.10361-1351G>T (NM_133378.4); short protein forms D4270Y, D4191Y, D4337Y, D4145Y, D4508Y.
Identifiers: ClinVar variation 1758761 (VCV001758761.2), dbSNP rs886115048, ClinGen allele CA60983701.

ClinVar aggregate classification (germline): Uncertain significance (1 of 4 stars; one submission).

Conditions:
Cardiovascular phenotype. Identifiers: MedGen CN230736.

Allele frequency attached by ClinVar (database versions not stated): gnomAD exomes 0.00001.
gnomAD v4.1: 9 of 1,613,898 alleles (0.00056%); highest among the groups gnomAD compares: Non-Finnish European, 0.00076%; no homozygotes.

Submission:

Ambry Genetics
Classification: Uncertain significance for Cardiovascular phenotype. Last evaluated: 2019-11-01. Review status: criteria provided, single submitter. Criteria: Ambry Variant Classification Scheme 2023. Collection method: clinical testing. Allele origin: germline.
Comment: The p.D4145Y variant (also known as c.12433G>T), located in coding exon 44 of the TTN gene, results from a G to T substitution at nucleotide position 12433. The aspartic acid at codon 4145 is replaced by tyrosine, an amino acid with highly dissimilar properties. This amino acid position is poorly conserved in available vertebrate species. In addition, this alteration is predicted to be tolerated by in silico analysis. Since supporting evidence is limited at this time, the clinical significance of this alteration remains unclear.